The following is an entry in ClinVar:

ClinVar aggregate classification (germline): Uncertain significance (1 of 4 stars; one submission).

Conditions:
SEMA3E-related disorder. Also called: SEMA3E-related condition.

Submission:

PreventionGenetics, part of Exact Sciences
Classification: Uncertain significance for SEMA3E-related condition. Last evaluated: 2025-10-28. Review status: criteria provided, single submitter. Criteria: ACMG Guidelines, 2015. Collection method: clinical testing. Allele origin: germline.
Comment: The SEMA3E c.976T>A variant is predicted to result in the amino acid substitution p.Phe326Ile. To our knowledge, this variant has not been reported in the literature or in a large population database (gnomAD), indicating this variant is rare. At this time, the clinical significance of this variant is uncertain due to the absence of conclusive functional and genetic evidence.

NM_012431.3(SEMA3E):c.976T>A (p.Phe326Ile)

Gene: SEMA3E (semaphorin 3E; minus strand). Cytogenetic location: 7q21.11.
Variant type: single nucleotide variant.
Coding change: c.976T>A on transcript NM_012431.3 (MANE Select); coding-DNA position 976, T replaced by A.
Protein change: p.Phe326Ile; replaces phenylalanine 326 with isoleucine.
Molecular consequence: missense variant.
Genome position (GRCh38, 1-based): chr7:83,405,472, A>T on the plus strand (T>A on the coding strand, the complement: SEMA3E is on the minus strand). VCF-style: chr7-83405472-A-T. GRCh37 (hg19) VCF-style: chr7-83034788-A-T.
Other names: c.796T>A, p.Phe266Ile (NM_001178129.2); short protein forms F266I, F326I.
Identifiers: ClinVar variation 4996352 (VCV004996352.1).
Genomic context (GRCh38, chr7:83,405,472, plus strand): 5'-GTTCTATATTGTTTTTATTGACTGTATAAATTTCTCACCTGGTAGTGTTAAAGAGTCCAA[A>T]TATCACTGGATTCTTATGATCTCTGGTAGGTAGCAAAAAAACGTCCTCTGAAAAATTAAA-3'
Protein context (NP_036563.1, residues 316-336): PTRDHKNPVI[Phe326Ile]GLFNTTSNIF